The following is an entry in ClinVar:

NM_001105206.3(LAMA4):c.2765A>G (p.Lys922Arg)

Genes: LAMA4 (laminin subunit alpha 4; minus strand), LOC126859766 (MED14-independent group 3 enhancer GRCh37_chr6:112462018-112463217; plus strand). Cytogenetic location: 6q21.
Variant type: single nucleotide variant.
Coding change: c.2765A>G on transcript NM_001105206.3 (MANE Select); coding-DNA position 2765, A replaced by G.
Protein change: p.Lys922Arg; replaces lysine 922 with arginine.
Molecular consequence: missense variant.
Genome position (GRCh38, 1-based): chr6:112,141,406, T>C on the plus strand (A>G on the coding strand, the complement: LAMA4 is on the minus strand). VCF-style: chr6-112141406-T-C. GRCh37 (hg19) VCF-style: chr6-112462608-T-C.
Other names: c.2744A>G, p.Lys915Arg (NM_001105207.3, NM_002290.5); short protein forms K915R, K922R.
Identifiers: ClinVar variation 2876441 (VCV002876441.3), dbSNP rs2114703717, ClinGen allele CA365380163.

ClinVar aggregate classification (germline): Uncertain significance (1 of 4 stars; one submission).

Conditions:
Dilated cardiomyopathy 1JJ (CMD1JJ). Identifiers: Orphanet 154, MedGen C3808935, MONDO:0014095, OMIM 615235.

Allele frequency attached by ClinVar (database versions not stated): gnomAD exomes below 0.00001.
gnomAD v4.1: 5 of 1,614,100 alleles (0.00031%); highest among the groups gnomAD compares: Non-Finnish European, 0.00042%; no homozygotes.

Submission:

Labcorp Genetics (formerly Invitae), Labcorp
Classification: Uncertain significance for Dilated cardiomyopathy 1JJ. Last evaluated: 2023-12-29. Review status: criteria provided, single submitter. Criteria: Invitae Variant Classification Sherloc (09022015). Collection method: clinical testing. Allele origin: germline.
Comment: This sequence change replaces lysine, which is basic and polar, with arginine, which is basic and polar, at codon 915 of the LAMA4 protein (p.Lys915Arg). This variant is not present in population databases (gnomAD no frequency). This variant has not been reported in the literature in individuals affected with LAMA4-related conditions. An algorithm developed to predict the effect of missense changes on protein structure and function (PolyPhen-2) suggests that this variant is likely to be disruptive. In summary, the available evidence is currently insufficient to determine the role of this variant in disease. Therefore, it has been classified as a Variant of Uncertain Significance.